The following is an entry in ClinVar:

NM_004519.4(KCNQ3):c.1640T>C (p.Ile547Thr)

Gene: KCNQ3 (potassium voltage-gated channel subfamily Q member 3; minus strand). Cytogenetic location: 8q24.22.
Variant type: single nucleotide variant.
Coding change: c.1640T>C on transcript NM_004519.4 (MANE Select); coding-DNA position 1640, T replaced by C.
Protein change: p.Ile547Thr; replaces isoleucine 547 with threonine.
Molecular consequence: missense variant.
Genome position (GRCh38, 1-based): chr8:132,137,945, A>G on the plus strand (T>C on the coding strand, the complement: KCNQ3 is on the minus strand). VCF-style: chr8-132137945-A-G. GRCh37 (hg19) VCF-style: chr8-133150192-A-G.
Other names: c.1280T>C, p.Ile427Thr (NM_001204824.2); short protein forms I547T, I427T.
Identifiers: ClinVar variation 4738696 (VCV004738696.1).

ClinVar aggregate classification (germline): Uncertain significance (1 of 4 stars; one submission).

Conditions:
Benign neonatal seizures. Also called: Benign familial neonatal seizures; Benign familial neonatal epilepsy; Convulsions benign familial neonatal dominant form; Benign neonatal familial convulsions; Autosomal dominant form of benign neonatal seizures. Identifiers: Orphanet 1949, MedGen C0220669, MONDO:0016027.

Submission:

Labcorp Genetics (formerly Invitae), Labcorp
Classification: Uncertain significance for Benign neonatal seizures. Last evaluated: 2025-05-28. Review status: criteria provided, single submitter. Criteria: Invitae Variant Classification Sherloc (09022015). Collection method: clinical testing. Allele origin: germline.
Comment: This sequence change replaces isoleucine, which is neutral and non-polar, with threonine, which is neutral and polar, at codon 547 of the KCNQ3 protein (p.Ile547Thr). This variant is not present in population databases (gnomAD no frequency). This variant has not been reported in the literature in individuals affected with KCNQ3-related conditions. Invitae Evidence Modeling of protein sequence and biophysical properties (such as structural, functional, and spatial information, amino acid conservation, physicochemical variation, residue mobility, and thermodynamic stability) indicates that this missense variant is expected to disrupt KCNQ3 protein function with a positive predictive value of 80%. In summary, the available evidence is currently insufficient to determine the role of this variant in disease. Therefore, it has been classified as a Variant of Uncertain Significance.